The following is an entry in ClinVar:

NM_001374736.1(DST):c.2567A>G (p.His856Arg)

Gene: DST (dystonin; minus strand). Cytogenetic location: 6p12.1.
Variant type: single nucleotide variant.
Coding change: c.2567A>G on transcript NM_001374736.1 (MANE Select); coding-DNA position 2567, A replaced by G.
Protein change: p.His856Arg; replaces histidine 856 with arginine.
Molecular consequence: missense variant.
Genome position (GRCh38, 1-based): chr6:56,639,981, T>C on the plus strand (A>G on the coding strand, the complement: DST is on the minus strand). VCF-style: chr6-56639981-T-C. GRCh37 (hg19) VCF-style: chr6-56504779-T-C.
Other names: c.2468A>G, p.His823Arg (NM_001144769.5); c.2054A>G, p.His685Arg (NM_001144770.2); c.2567A>G, p.His856Arg (NM_001374722.1); c.1934A>G, p.His645Arg (NM_001374729.1, NM_001374730.1, NM_001386100.1 and 1 more transcripts); c.2594A>G, p.His865Arg (NM_001374734.1); c.956A>G, p.His319Arg (NM_001723.7, NM_015548.5); short protein forms H319R, H645R, H685R, H823R, H856R, H865R.
Identifiers: ClinVar variation 1013864 (VCV001013864.6), dbSNP rs765148227, ClinGen allele CA3871392.

ClinVar aggregate classification (germline): Uncertain significance (1 of 4 stars; one submission).

Conditions:
Hereditary sensory and autonomic neuropathy type 6. Also called: HSAN VI; Neuropathy, hereditary sensory and autonomic, type VI. Identifiers: Orphanet 314381, MedGen C3539003, MONDO:0013839, OMIM 614653.
Epidermolysis bullosa simplex 3, localized or generalized intermediate, with BP230 deficiency (EBS3). Also called: Epidermolysis bullosa simplex, autosomal recessive 2; Epidermolysis bullosa simplex due to BP230 deficiency. Identifiers: Orphanet 412181, MedGen C3809470, MONDO:0014180, OMIM 615425.

Allele frequency attached by ClinVar (database versions not stated): TOPMed 0.00002; gnomAD exomes 0.00003 and 0.00005; ExAC 0.00004.
gnomAD v4.1: 16 of 1,613,942 alleles (0.00099%); highest among the groups gnomAD compares: Admixed American, 0.027%; no homozygotes.

Submission:

Labcorp Genetics (formerly Invitae), Labcorp
Classification: Uncertain significance for Epidermolysis bullosa simplex 3, localized or generalized intermediate, with BP230 deficiency; Hereditary sensory and autonomic neuropathy type 6. Last evaluated: 2021-08-28. Review status: criteria provided, single submitter. Criteria: Invitae Variant Classification Sherloc (09022015). Collection method: clinical testing. Allele origin: germline.
Comment: This sequence change replaces histidine with arginine at codon 319 of the DST protein (p.His319Arg). The histidine residue is highly conserved and there is a small physicochemical difference between histidine and arginine. This variant is present in population databases (rs765148227, ExAC 0.04%). This variant has not been reported in the literature in individuals affected with DST-related conditions. Algorithms developed to predict the effect of missense changes on protein structure and function (SIFT, PolyPhen-2, Align-GVGD) all suggest that this variant is likely to be disruptive. In summary, the available evidence is currently insufficient to determine the role of this variant in disease. Therefore, it has been classified as a Variant of Uncertain Significance.